The following is an entry in ClinVar:

ClinVar aggregate classification (germline): Conflicting classifications of pathogenicity. Review status: criteria provided, conflicting classifications (1 of 4 stars). 2 submissions from 2 submitters: Uncertain significance (1); Likely benign (1). Last evaluated 2024-07-02.

Conditions:
Familial cancer of breast. Also called: Hereditary breast cancer; hereditary breast carcinoma; BREAST CANCER, FAMILIAL. Identifiers: Orphanet 227535, MedGen C0346153, MONDO:0016419, OMIM 114480. Disease mechanism: loss of function.
Fanconi anemia complementation group J. Also called: BRIP1-Related Fanconi Anemia. Identifiers: Orphanet 84, MedGen C1836860, MONDO:0012187, OMIM 609054.

Submissions (2):

GeneDx
Classification: Uncertain significance. Last evaluated: 2024-07-02. Review status: criteria provided, single submitter. Criteria: GeneDx Variant Classification Process June 2021. Collection method: clinical testing. Allele origin: germline. Affected: yes.
Comment: In silico analysis is inconclusive as to whether the variant alters gene splicing. In the absence of RNA/functional studies, the actual effect of this sequence change is unknown.; Not observed at significant frequency in large population cohorts (gnomAD); Has not been previously published as pathogenic or benign to our knowledge

Labcorp Genetics (formerly Invitae), Labcorp
Classification: Likely benign for Familial cancer of breast; Fanconi anemia complementation group J. Last evaluated: 2024-02-17. Review status: criteria provided, single submitter. Criteria: Invitae Variant Classification Sherloc (09022015). Collection method: clinical testing. Allele origin: germline.

NM_032043.3(BRIP1):c.1341-17_1341-13del

Gene: BRIP1 (BRCA1 interacting DNA helicase 1; minus strand). Cytogenetic location: 17q23.2.
Variant type: Deletion.
Coding change: c.1341-17_1341-13del on transcript NM_032043.3 (MANE Select); 17 bases into the intron before coding-DNA position 1341 through 13 bases into the intron before coding-DNA position 1341, 5 bases deleted (GTTTT; older notation c.1341-17_1341-13delGTTTT).
Molecular consequence: intron variant.
Genome position (GRCh38, 1-based): chr17:61,793,742-61,793,746, AAAAC deleted on the plus strand (GTTTT on the coding strand, the reverse complement: BRIP1 is on the minus strand); deleting any 5 consecutive bases within chr17:61,793,742-61,793,748 gives the same sequence; the c. name uses the placement nearest the transcript's 3' end. VCF-style (leftmost placement, unchanged base first): chr17-61793741-TAAAAC-T. GRCh37 (hg19) VCF-style: chr17-59871102-TAAAAC-T.
Identifiers: ClinVar variation 1635920 (VCV001635920.10), dbSNP rs2077857551, ClinGen allele CA2269176577.